The following is an entry in ClinVar:

NM_173660.5(DOK7):c.1109G>C (p.Gly370Ala)

Gene: DOK7 (docking protein 7; plus strand). Cytogenetic location: 4p16.3.
Variant type: single nucleotide variant.
Coding change: c.1109G>C on transcript NM_173660.5 (MANE Select); coding-DNA position 1109, G replaced by C.
Protein change: p.Gly370Ala; replaces glycine 370 with alanine.
Molecular consequence: missense variant. On other transcripts: 3 prime UTR variant (1).
Genome position (GRCh38, 1-based): chr4:3,493,095, G>C. VCF-style: chr4-3493095-G-C. GRCh37 (hg19) VCF-style: chr4-3494822-G-C.
Other names: c.1109G>C, p.Gly370Ala (NM_001301071.2); c.677G>C, p.Gly226Ala (NM_001363811.2); c.*330G>C (NM_001164673.2); c.179G>C, p.Gly60Ala (NM_001256896.2); short protein forms G370A, G60A, G226A.
Identifiers: ClinVar variation 1046820 (VCV001046820.9), dbSNP rs1728624628, ClinGen allele CA356117373.
Genomic context (GRCh38, chr4:3,493,095, plus strand): 5'-GCAGCCTCTCGTCCTACGCGGGCAGCAGCCTGGACGTGTGGCGGGCCACAGATGAACTGG[G>C]CTCACTGCTCAGCCTGCCAGCAGCGGGGGCCCCCGAGCCCAGCCTGTGCACCTGCCTGCC-3'
Protein context (NP_775931.3, residues 360-380): LDVWRATDEL[Gly370Ala]SLLSLPAAGA

ClinVar aggregate classification (germline): Uncertain significance (1 of 4 stars; one submission).

Conditions:
Congenital myasthenic syndrome 10. Also called: Myasthenia, limb-girdle, familial. Identifiers: Orphanet 590, MedGen C1850792, MONDO:0009690, OMIM 254300.
Fetal akinesia deformation sequence 1 (FADS1). Also called: Pena-Shokeir syndrome type I; Fetal akinesia sequence. Identifiers: Orphanet 994, MedGen C1276035, MONDO:0100101, OMIM 208150, HP:0001989.

Submission:

Labcorp Genetics (formerly Invitae), Labcorp
Classification: Uncertain significance for Congenital myasthenic syndrome 10; Fetal akinesia deformation sequence 1. Last evaluated: 2022-07-18. Review status: criteria provided, single submitter. Criteria: Invitae Variant Classification Sherloc (09022015). Collection method: clinical testing. Allele origin: germline.
Comment: In summary, the available evidence is currently insufficient to determine the role of this variant in disease. Therefore, it has been classified as a Variant of Uncertain Significance. Algorithms developed to predict the effect of missense changes on protein structure and function are either unavailable or do not agree on the potential impact of this missense change (SIFT: "Deleterious"; PolyPhen-2: "Probably Damaging"; Align-GVGD: "Class C0"). ClinVar contains an entry for this variant (Variation ID: 1046820). This variant has not been reported in the literature in individuals affected with DOK7-related conditions. This variant is not present in population databases (gnomAD no frequency). This sequence change replaces glycine, which is neutral and non-polar, with alanine, which is neutral and non-polar, at codon 370 of the DOK7 protein (p.Gly370Ala).